The following is an entry in ClinVar:

NM_032447.5(FBN3):c.4940-3C>G

Gene: FBN3 (fibrillin 3; minus strand). Cytogenetic location: 19p13.2.
Variant type: single nucleotide variant.
Coding change: c.4940-3C>G on transcript NM_032447.5 (MANE Select); 3 bases into the intron before coding-DNA position 4940, C replaced by G.
Molecular consequence: intron variant.
Genome position (GRCh38, 1-based): chr19:8,102,876, G>C on the plus strand (C>G on the coding strand, the complement: FBN3 is on the minus strand). VCF-style: chr19-8102876-G-C. GRCh37 (hg19) VCF-style: chr19-8167760-G-C.
Other names: c.4940-3C>G (NM_001321431.2).
Identifiers: ClinVar variation 4747824 (VCV004747824.1).
Genomic context (GRCh38, chr19:8,102,876, plus strand): 5'-GCCAGCTCATTTTGACATGTGCCGTTATAGTGCCGGAAGCAGACACTCTTCCTCATATCT[G>C]TAGTTGGCACAAAGGAGAAGAATGTGGGTAAGGGTCACCTAAATCAGTGGAAGAGGGAGC-3'

ClinVar aggregate classification (germline): Uncertain significance (1 of 4 stars; one submission).

gnomAD v4.1: 7 of 1,613,940 alleles (0.00043%); highest among the groups gnomAD compares: Admixed American, 0.012%; no homozygotes.

Submission:

Labcorp Genetics (formerly Invitae), Labcorp
Classification: Uncertain significance. Last evaluated: 2026-01-18. Review status: criteria provided, single submitter. Criteria: Invitae Variant Classification Sherloc (09022015). Collection method: clinical testing. Allele origin: germline.
Comment: This sequence change falls in intron 39 of the FBN3 gene. It does not directly change the encoded amino acid sequence of the FBN3 protein. It affects a nucleotide within the consensus splice site. This variant is present in population databases (no rsID available, gnomAD 0.003%). This variant has not been reported in the literature in individuals affected with FBN3-related conditions. Variants that disrupt the consensus splice site are a relatively common cause of aberrant splicing (PMID: 17576681, 9536098). Algorithms developed to predict the effect of sequence changes on RNA splicing suggest that this variant may disrupt the consensus splice site. In summary, the available evidence is currently insufficient to determine the role of this variant in disease. Therefore, it has been classified as a Variant of Uncertain Significance.

Literature cited by the submitters: PubMed 17576681; PubMed 9536098.